The following is an entry in ClinVar:

ClinVar aggregate classification (germline): Uncertain significance. Review status: criteria provided, multiple submitters, no conflicts (2 of 4 stars). 2 submissions from 2 submitters: Uncertain significance (2). Last evaluated 2022-09-01.

Allele frequency attached by ClinVar (database versions not stated): gnomAD exomes below 0.00001; gnomAD 0.00001; TOPMed 0.00001.
gnomAD v4.1: 4 of 1,604,526 alleles (0.00025%); highest among the groups gnomAD compares: Non-Finnish European, 0.00034%; no homozygotes.

Submissions (2):

CeGaT Center for Human Genetics Tuebingen
Classification: Uncertain significance. Last evaluated: 2022-09-01. Review status: criteria provided, single submitter. Criteria: CeGaT Center For Human Genetics Tuebingen Variant Classification Criteria Version 2. Collection method: clinical testing. Allele origin: germline. Affected: yes. Observed: 2 variant alleles.
Comment: DNA2: PM2, PVS1:Moderate

GeneDx
Classification: Uncertain significance. Last evaluated: 2019-08-08. Review status: criteria provided, single submitter. Criteria: GeneDx Variant Classification Process June 2021. Collection method: clinical testing. Allele origin: germline. Affected: yes.
Comment: Not observed in large population cohorts (Lek et al., 2016); Nonsense variant predicted to result in protein truncation or nonsense mediated decay in a gene for which loss-of-function is not a known mechanism of disease; Has not been previously published as pathogenic or benign to our knowledge

NM_001080449.3(DNA2):c.240C>A (p.Cys80Ter)

Gene: DNA2 (DNA replication helicase/nuclease 2; minus strand). Cytogenetic location: 10q21.3.
Variant type: single nucleotide variant.
Coding change: c.240C>A on transcript NM_001080449.3 (MANE Select); coding-DNA position 240, C replaced by A.
Protein change: p.Cys80Ter; replaces cysteine 80 with a stop codon.
Molecular consequence: nonsense. On other transcripts: non-coding transcript variant (1).
Genome position (GRCh38, 1-based): chr10:68,469,998, G>T on the plus strand (C>A on the coding strand, the complement: DNA2 is on the minus strand). VCF-style: chr10-68469998-G-T. GRCh37 (hg19) VCF-style: chr10-70229755-G-T.
Other names: short protein forms C80*.
Identifiers: ClinVar variation 1307342 (VCV001307342.26), dbSNP rs1427017563, ClinGen allele CA376831494.